The following is an entry in ClinVar:

NM_014236.4(GNPAT):c.536A>T (p.Asp179Val)

Gene: GNPAT (glyceronephosphate O-acyltransferase; plus strand). Cytogenetic location: 1q42.2.
Variant type: single nucleotide variant.
Coding change: c.536A>T on transcript NM_014236.4 (MANE Select); coding-DNA position 536, A replaced by T.
Protein change: p.Asp179Val; replaces aspartic acid 179 with valine.
Molecular consequence: missense variant.
Genome position (GRCh38, 1-based): chr1:231,262,820, A>T. VCF-style: chr1-231262820-A-T. GRCh37 (hg19) VCF-style: chr1-231398566-A-T.
Other names: c.353A>T, p.Asp118Val (NM_001316350.2); short protein forms D118V, D179V.
Identifiers: ClinVar variation 1399744 (VCV001399744.8), dbSNP rs2102815439, ClinGen allele CA345232340.

ClinVar aggregate classification (germline): Uncertain significance (1 of 4 stars; one submission).

Submission:

Labcorp Genetics (formerly Invitae), Labcorp
Classification: Uncertain significance. Last evaluated: 2021-06-06. Review status: criteria provided, single submitter. Criteria: Invitae Variant Classification Sherloc (09022015). Collection method: clinical testing. Allele origin: germline.
Comment: This sequence change replaces aspartic acid with valine at codon 179 of the GNPAT protein (p.Asp179Val). The aspartic acid residue is highly conserved and there is a large physicochemical difference between aspartic acid and valine. This variant is not present in population databases (ExAC no frequency). This variant has not been reported in the literature in individuals with GNPAT-related conditions. Algorithms developed to predict the effect of missense changes on protein structure and function are either unavailable or do not agree on the potential impact of this missense change (SIFT: "Deleterious"; PolyPhen-2: "Probably Damaging"; Align-GVGD: "Class C15"). In summary, the available evidence is currently insufficient to determine the role of this variant in disease. Therefore, it has been classified as a Variant of Uncertain Significance.